The following is an entry in ClinVar:

NM_001414.4(EIF2B1):c.385G>A (p.Ala129Thr)

Gene: EIF2B1 (eukaryotic translation initiation factor 2B subunit alpha; minus strand). Cytogenetic location: 12q24.31.
Variant type: single nucleotide variant.
Coding change: c.385G>A on transcript NM_001414.4 (MANE Select); coding-DNA position 385, G replaced by A.
Protein change: p.Ala129Thr; replaces alanine 129 with threonine.
Molecular consequence: missense variant.
Genome position (GRCh38, 1-based): chr12:123,627,141, C>T on the plus strand (G>A on the coding strand, the complement: EIF2B1 is on the minus strand). VCF-style: chr12-123627141-C-T. GRCh37 (hg19) VCF-style: chr12-124111688-C-T.
Other names: short protein forms A129T.
Identifiers: ClinVar variation 2689011 (VCV002689011.4), dbSNP rs755256108, ClinGen allele CA6860140.

ClinVar aggregate classification (germline): Uncertain significance. Review status: criteria provided, multiple submitters, no conflicts (2 of 4 stars). 2 submissions from 2 submitters: Uncertain significance (2). Last evaluated 2025-07-14.

Conditions:
Leukoencephalopathy with vanishing white matter 1 (VWM1). Also called: CHILDHOOD ATAXIA WITH CENTRAL NERVOUS SYSTEM HYPOMYELINIZATION; Cree leukoencephalopathy; Vanishing white matter leukodystrophy; EIF2B1-Related Childhood Ataxia with Central Nervous System Hypomyelination/Vanishing White Matter. Identifiers: Orphanet 99854, MedGen C5779972, MONDO:0020507, OMIM 603896.

Allele frequency attached by ClinVar (database versions not stated): gnomAD 0.00002; gnomAD exomes 0.00002; TOPMed 0.00001; ExAC 0.00002.

Submissions (2):

Labcorp Genetics (formerly Invitae), Labcorp
Classification: Uncertain significance. Last evaluated: 2025-07-14. Review status: criteria provided, single submitter. Criteria: Invitae Variant Classification Sherloc (09022015). Collection method: clinical testing. Allele origin: germline.
Comment: This sequence change replaces alanine, which is neutral and non-polar, with threonine, which is neutral and polar, at codon 129 of the EIF2B1 protein (p.Ala129Thr). This variant is present in population databases (rs755256108, gnomAD 0.006%). This variant has not been reported in the literature in individuals affected with EIF2B1-related conditions. ClinVar contains an entry for this variant (Variation ID: 2689011). Invitae Evidence Modeling of protein sequence and biophysical properties (such as structural, functional, and spatial information, amino acid conservation, physicochemical variation, residue mobility, and thermodynamic stability) indicates that this missense variant is not expected to disrupt EIF2B1 protein function with a negative predictive value of 80%. In summary, the available evidence is currently insufficient to determine the role of this variant in disease. Therefore, it has been classified as a Variant of Uncertain Significance.

Revvity Omics, Revvity
Classification: Uncertain significance for Leukoencephalopathy with vanishing white matter 1. Last evaluated: 2023-07-19. Review status: criteria provided, single submitter. Criteria: ACMG Guidelines, 2015. Collection method: clinical testing. Allele origin: germline.